The following is an entry in ClinVar:

ClinVar aggregate classification (germline): Uncertain significance. Review status: criteria provided, multiple submitters, no conflicts (2 of 4 stars). 2 submissions from 2 submitters: Uncertain significance (2). Last evaluated 2024-09-27.

Conditions:
Landau-Kleffner syndrome (FESD). Also called: EPILEPSY, FOCAL, WITH SPEECH DISORDER AND WITH OR WITHOUT MENTAL RETARDATION; APHASIA, ACQUIRED, WITH EPILEPSY. Identifiers: Orphanet 1945, Orphanet 725, Orphanet 98818, MedGen C0282512, MONDO:0009509, OMIM 245570.

Allele frequency attached by ClinVar (database versions not stated): gnomAD exomes below 0.00001; ExAC 0.00001; gnomAD 0.00001; 1000 Genomes Project 30x 0.00016; 1000 Genomes Project 0.00020.
gnomAD v4.1: 2 of 1,613,386 alleles (0.00012%); highest among the groups gnomAD compares: Admixed American, 0.0017%; no homozygotes.

Submissions (2):

Revvity Omics, Revvity
Classification: Uncertain significance for Landau-Kleffner syndrome. Last evaluated: 2024-09-27. Review status: criteria provided, single submitter. Criteria: ACMG Guidelines, 2015. Collection method: clinical testing. Allele origin: germline.

Labcorp Genetics (formerly Invitae), Labcorp
Classification: Uncertain significance for Landau-Kleffner syndrome. Last evaluated: 2023-11-20. Review status: criteria provided, single submitter. Criteria: Invitae Variant Classification Sherloc (09022015). Collection method: clinical testing. Allele origin: germline.
Comment: This sequence change replaces serine, which is neutral and polar, with cysteine, which is neutral and slightly polar, at codon 245 of the GRIN2A protein (p.Ser245Cys). This variant is present in population databases (rs574122648, gnomAD 0.003%). This variant has not been reported in the literature in individuals affected with GRIN2A-related conditions. ClinVar contains an entry for this variant (Variation ID: 2432290). Advanced modeling of protein sequence and biophysical properties (such as structural, functional, and spatial information, amino acid conservation, physicochemical variation, residue mobility, and thermodynamic stability) has been performed at Invitae for this missense variant, however the output from this modeling did not meet the statistical confidence thresholds required to predict the impact of this variant on GRIN2A protein function. In summary, the available evidence is currently insufficient to determine the role of this variant in disease. Therefore, it has been classified as a Variant of Uncertain Significance.

NM_001134407.3(GRIN2A):c.734C>G (p.Ser245Cys)

Gene: GRIN2A (glutamate ionotropic receptor NMDA type subunit 2A; minus strand). Cytogenetic location: 16p13.2.
Variant type: single nucleotide variant.
Coding change: c.734C>G on transcript NM_001134407.3 (MANE Select); coding-DNA position 734, C replaced by G.
Protein change: p.Ser245Cys; replaces serine 245 with cysteine.
Molecular consequence: missense variant.
Genome position (GRCh38, 1-based): chr16:9,938,232, G>C on the plus strand (C>G on the coding strand, the complement: GRIN2A is on the minus strand). VCF-style: chr16-9938232-G-C. GRCh37 (hg19) VCF-style: chr16-10032089-G-C.
Other names: c.734C>G, p.Ser245Cys (NM_000833.5, NM_001134408.2); short protein forms S245C.
Identifiers: ClinVar variation 2432290 (VCV002432290.6), dbSNP rs574122648, ClinGen allele CA7896910.
Genomic context (GRCh38, chr16:9,938,232, plus strand): 5'-GTGTTCCCAGAGACCAAGCTGGGGACAATCCAGAAGAAATCATACCCGGTGAGGCCAAGG[G>C]AGCGGGCCTCACTCAGAATGAGAACAGCCTCGTCTTTGGAACAGTAGAGCAAGATGACAG-3'
Protein context (NP_001127879.1, residues 235-255): EAVLILSEAR[Ser245Cys]LGLTGYDFFW